The following is an entry in ClinVar:

NM_058216.3(RAD51C):c.577C>G (p.Arg193Gly)

Gene: RAD51C (RAD51 paralog C; plus strand). Cytogenetic location: 17q22.
Variant type: single nucleotide variant.
Coding change: c.577C>G on transcript NM_058216.3 (MANE Select); coding-DNA position 577, C replaced by G.
Protein change: p.Arg193Gly; replaces arginine 193 with glycine.
Molecular consequence: missense variant. On other transcripts: non-coding transcript variant (1).
Genome position (GRCh38, 1-based): chr17:58,703,201, C>G. VCF-style: chr17-58703201-C-G. GRCh37 (hg19) VCF-style: chr17-56780562-C-G.
Other names: c.*5C>G (NM_058217.1); short protein forms R193G.
Identifiers: ClinVar variation 1749594 (VCV001749594.6), dbSNP rs200293302, ClinGen allele CA400349035.

ClinVar aggregate classification (germline): Conflicting classifications of pathogenicity. Review status: criteria provided, conflicting classifications (1 of 4 stars). 2 submissions from 2 submitters: Uncertain significance (1); Benign (1). Last evaluated 2025-10-28.

Conditions:
Hereditary cancer-predisposing syndrome. Also called: Neoplastic Syndromes, Hereditary; Tumor predisposition; Hereditary neoplastic syndrome; Hereditary Cancer Syndrome. Identifiers: Orphanet 140162, MedGen C0027672, MeSH D009386, MONDO:0015356.
Fanconi anemia complementation group O. Also called: RAD51C-Related Fanconi Anemia. Identifiers: Orphanet 84, MedGen C3150653, MONDO:0013248, OMIM 613390.

gnomAD v4.1: 1 of 1,611,692 alleles (0.000062%); highest among the groups gnomAD compares: Non-Finnish European, 0.000085%; no homozygotes.

Submissions (2):

Ambry Genetics
Classification: Benign for Hereditary cancer-predisposing syndrome. Last evaluated: 2025-10-28. Review status: criteria provided, single submitter. Criteria: Ambry Variant Classification Scheme 2023. Collection method: clinical testing. Allele origin: germline.

Labcorp Genetics (formerly Invitae), Labcorp
Classification: Uncertain significance for Fanconi anemia complementation group O. Last evaluated: 2023-10-18. Review status: criteria provided, single submitter. Criteria: Invitae Variant Classification Sherloc (09022015). Collection method: clinical testing. Allele origin: germline.
Comment: This sequence change replaces arginine, which is basic and polar, with glycine, which is neutral and non-polar, at codon 193 of the RAD51C protein (p.Arg193Gly). This variant is not present in population databases (gnomAD no frequency). This variant has not been reported in the literature in individuals affected with RAD51C-related conditions. ClinVar contains an entry for this variant (Variation ID: 1749594). An algorithm developed to predict the effect of missense changes on protein structure and function (PolyPhen-2) suggests that this variant is likely to be tolerated. In summary, the available evidence is currently insufficient to determine the role of this variant in disease. Therefore, it has been classified as a Variant of Uncertain Significance.